The following is an entry in ClinVar:

NM_014780.5(CUL7):c.447C>G (p.Ser149Arg)

Gene: CUL7 (cullin 7; minus strand). Cytogenetic location: 6p21.1.
Variant type: single nucleotide variant.
Coding change: c.447C>G on transcript NM_014780.5 (MANE Select); coding-DNA position 447, C replaced by G.
Protein change: p.Ser149Arg; replaces serine 149 with arginine.
Molecular consequence: missense variant.
Genome position (GRCh38, 1-based): chr6:43,052,342, G>C on the plus strand (C>G on the coding strand, the complement: CUL7 is on the minus strand). VCF-style: chr6-43052342-G-C. GRCh37 (hg19) VCF-style: chr6-43020080-G-C.
Other names: c.447C>G, p.Ser149Arg (NM_001374873.1, NM_001374874.1, NM_001168370.2 and 1 more transcripts); short protein forms S149R.
Identifiers: ClinVar variation 1436065 (VCV001436065.5), dbSNP rs758338667, ClinGen allele CA3814392.
Genomic context (GRCh38, chr6:43,052,342, plus strand): 5'-CATGTGCATGAGCAAGTCCAGGACCCTTGGGTCCTTGAATACTCCAGTGAGGGGCTCAAT[G>C]CTGGCATAGGCGCTGAGCACGTGGACAGTGTGAAGTAGAGGAGCAGGAGGGATAGTGCCC-3'
Protein context (NP_055595.2, residues 139-159): HTVHVLSAYA[Ser149Arg]IEPLTGVFKD

ClinVar aggregate classification (germline): Uncertain significance (1 of 4 stars; one submission).

Allele frequency attached by ClinVar (database versions not stated): gnomAD exomes 0.00001 and 0.00003; ExAC 0.00002; TOPMed 0.00002.
gnomAD v4.1: 43 of 1,614,260 alleles (0.0027%); highest among the groups gnomAD compares: Non-Finnish European, 0.0036%; no homozygotes.

Submission:

Labcorp Genetics (formerly Invitae), Labcorp
Classification: Uncertain significance. Last evaluated: 2024-10-22. Review status: criteria provided, single submitter. Criteria: Invitae Variant Classification Sherloc (09022015). Collection method: clinical testing. Allele origin: germline.
Comment: This sequence change replaces serine, which is neutral and polar, with arginine, which is basic and polar, at codon 149 of the CUL7 protein (p.Ser149Arg). This variant is present in population databases (rs758338667, gnomAD 0.007%). This variant has not been reported in the literature in individuals affected with CUL7-related conditions. ClinVar contains an entry for this variant (Variation ID: 1436065). An algorithm developed to predict the effect of missense changes on protein structure and function (PolyPhen-2) suggests that this variant is likely to be disruptive. In summary, the available evidence is currently insufficient to determine the role of this variant in disease. Therefore, it has been classified as a Variant of Uncertain Significance.